The following is an entry in ClinVar:

ClinVar aggregate classification (germline): Likely pathogenic (1 of 4 stars; one submission).

Conditions:
MPDZ-related disorder. Also called: MPDZ-related condition.

gnomAD v4.1: 1 of 1,609,538 alleles (0.000062%); highest among the groups gnomAD compares: Non-Finnish European, 0.000085%; no homozygotes.

Submission:

PreventionGenetics, part of Exact Sciences
Classification: Likely pathogenic for MPDZ-related condition. Last evaluated: 2024-11-21. Review status: criteria provided, single submitter. Criteria: ACMG Guidelines, 2015. Collection method: clinical testing. Allele origin: germline.
Comment: The MPDZ c.1327C>T variant is predicted to result in premature protein termination (p.Gln443*). To our knowledge, this variant has not been reported in the literature or in a large population database (gnomAD), indicating this variant is rare. Nonsense variants in MPDZ are expected to be pathogenic. This variant is interpreted as likely pathogenic.

NM_001378778.1(MPDZ):c.1327C>T (p.Gln443Ter)

Gene: MPDZ (multiple PDZ domain crumbs cell polarity complex component; minus strand). Cytogenetic location: 9p23.
Variant type: single nucleotide variant.
Coding change: c.1327C>T on transcript NM_001378778.1 (MANE Select); coding-DNA position 1327, C replaced by T.
Protein change: p.Gln443Ter; replaces glutamine 443 with a stop codon.
Molecular consequence: nonsense.
Genome position (GRCh38, 1-based): chr9:13,206,063, G>A on the plus strand (C>T on the coding strand, the complement: MPDZ is on the minus strand). VCF-style: chr9-13206063-G-A. GRCh37 (hg19) VCF-style: chr9-13206062-G-A.
Other names: c.1327C>T, p.Gln443Ter (NM_001261406.2, NM_001261407.2, NM_001330637.2 and 14 more transcripts); short protein forms Q443*.
Identifiers: ClinVar variation 4985194 (VCV004985194.1).
Genomic context (GRCh38, chr9:13,206,063, plus strand): 5'-CTCTCCTCATTAGTGTCAGGAGCACAGTTTGTCCTGTATGTCGCAATACCTCTACTGCTT[G>A]CTGATTAGTAAAACCCTGAAGGTTTGTGCCATCTACCTGTGATTAAAAAAAAAAAAAAGC-3'